The following is an entry in ClinVar:

NM_014946.4(SPAST):c.589A>G (p.Lys197Glu)

Gene: SPAST (spastin; plus strand). Cytogenetic location: 2p22.3.
Variant type: single nucleotide variant.
Coding change: c.589A>G on transcript NM_014946.4 (MANE Select); coding-DNA position 589, A replaced by G.
Protein change: p.Lys197Glu; replaces lysine 197 with glutamic acid.
Molecular consequence: missense variant. On other transcripts: intron variant (3).
Genome position (GRCh38, 1-based): chr2:32,098,798, A>G. VCF-style: chr2-32098798-A-G. GRCh37 (hg19) VCF-style: chr2-32323867-A-G.
Other names: c.586A>G, p.Lys196Glu (NM_001363823.2); c.586+9193A>G (NM_199436.2, NM_001377959.1); c.583+9193A>G (NM_001363875.2); short protein forms K197E, K196E.
Identifiers: ClinVar variation 2200569 (VCV002200569.5), dbSNP rs907857121, ClinGen allele CA45206254.
Genomic context (GRCh38, chr2:32,098,798, plus strand): 5'-TCATTATCTTTTTTCTTTTTGTTTATTTTTTCTGTTTTTTACCTTCTCTGTTGCATAGAG[A>G]AGATGCAACCAGTTTTGCCATTTTCCAAGTCACAAACGGACGTCTATAATGACAGTACTA-3'
Protein context (NP_055761.2, residues 187-207): MAKDRLQLLE[Lys197Glu]MQPVLPFSKS

ClinVar aggregate classification (germline): Uncertain significance. Review status: criteria provided, multiple submitters, no conflicts (2 of 4 stars). 2 submissions from 2 submitters: Uncertain significance (2). Last evaluated 2026-09-01.

Conditions:
Hereditary spastic paraplegia 4. Also called: Spastic paraplegia 4, autosomal dominant; Spastic Paraplegia 4; Familial spastic paraplegia autosomal dominant 2. Identifiers: Orphanet 100985, MedGen C1866855, MONDO:0008438, OMIM 182601.

Allele frequency attached by ClinVar (database versions not stated): gnomAD exomes below 0.00001; TOPMed below 0.00001; gnomAD 0.00001.
gnomAD v4.1: 3 of 1,602,250 alleles (0.00019%); highest among the groups gnomAD compares: Non-Finnish European, 0.00026%; no homozygotes.

Submissions (2):

CeGaT Center for Human Genetics Tuebingen
Classification: Uncertain significance. Last evaluated: 2026-09-01. Review status: criteria provided, single submitter. Criteria: CeGaT Center For Human Genetics Tuebingen Variant Classification Criteria Version 2. Collection method: clinical testing. Allele origin: germline. Affected: yes. Observed: 1 variant allele.

Labcorp Genetics (formerly Invitae), Labcorp
Classification: Uncertain significance for Hereditary spastic paraplegia 4. Last evaluated: 2022-08-06. Review status: criteria provided, single submitter. Criteria: Invitae Variant Classification Sherloc (09022015). Collection method: clinical testing. Allele origin: germline.
Comment: In summary, the available evidence is currently insufficient to determine the role of this variant in disease. Therefore, it has been classified as a Variant of Uncertain Significance. Algorithms developed to predict the effect of sequence changes on RNA splicing suggest that this variant may disrupt the consensus splice site. Algorithms developed to predict the effect of missense changes on protein structure and function (SIFT, PolyPhen-2, Align-GVGD) all suggest that this variant is likely to be tolerated. This variant has not been reported in the literature in individuals affected with SPAST-related conditions. This variant is not present in population databases (gnomAD no frequency). This sequence change replaces lysine, which is basic and polar, with glutamic acid, which is acidic and polar, at codon 197 of the SPAST protein (p.Lys197Glu).